The following is an entry in ClinVar:

ClinVar aggregate classification (germline): Likely pathogenic (1 of 4 stars; one submission).

Submission:

Labcorp Genetics (formerly Invitae), Labcorp
Classification: Likely pathogenic. Last evaluated: 2021-05-14. Review status: criteria provided, single submitter. Criteria: Invitae Variant Classification Sherloc (09022015). Collection method: clinical testing. Allele origin: germline.
Comment: In summary, the currently available evidence indicates that the variant is pathogenic, but additional data are needed to prove that conclusively. Therefore, this variant has been classified as Likely Pathogenic. This variant disrupts a region of the protein in which other variant(s) (p.Pro384Arg, p.Asp432Tyr) have been observed in individuals with CSGALNACT1-related conditions (PMID: 27599773, 31705726). This suggests that this may be a clinically significant region of the CSGALNACT1 protein. Experimental studies and prediction algorithms are not available or were not evaluated, and the functional significance of this variant is currently unknown. This variant has not been reported in the literature in individuals with CSGALNACT1-related conditions. This variant is a gross deletion of the genomic region encompassing exon(s) 6-10 of the CSGALNACT1 gene. The 5' boundary is likely confined to intron 5. The 3' end of this event is unknown as it extends through the termination codon beyond the assayed region for this gene and may encompass additional genes. While this deletion is not anticipated to lead to nonsense mediated decay, it is expected to alter mRNA translation or result in a truncated protein product.

Literature cited by the submitters: PubMed 27599773; PubMed 31705726.

NC_000008.10:g.(?_19263291)_(19297462_?)del

Gene: CSGALNACT1 (chondroitin sulfate N-acetylgalactosaminyltransferase 1; minus strand). Cytogenetic location: 8p21.3.
Variant type: Deletion.
Identifiers: ClinVar variation 1503160 (VCV001503160.6).